The following is an entry in ClinVar:

NM_000277.3(PAH):c.870T>A (p.His290Gln)

Genes: PAH (phenylalanine hydroxylase; minus strand), LOC126861615 (CDK7 strongly-dependent group 2 enhancer GRCh37_chr12:103244689-103245888; plus strand). Cytogenetic location: 12q23.2.
Variant type: single nucleotide variant.
Coding change: c.870T>A on transcript NM_000277.3 (MANE Select); coding-DNA position 870, T replaced by A.
Protein change: p.His290Gln; replaces histidine 290 with glutamine.
Molecular consequence: missense variant.
Genome position (GRCh38, 1-based): chr12:102,851,729, A>T on the plus strand (T>A on the coding strand, the complement: PAH is on the minus strand). VCF-style: chr12-102851729-A-T. GRCh37 (hg19) VCF-style: chr12-103245507-A-T.
Other names: c.870T>A, p.His290Gln (NM_001354304.2); short protein forms H290Q.
Identifiers: ClinVar variation 2036025 (VCV002036025.4), dbSNP rs751203209, ClinGen allele CA386294406.

ClinVar aggregate classification (germline): Pathogenic (1 of 4 stars; one submission).

Conditions:
Phenylketonuria (PKU). Also called: FOLLING DISEASE; Phenylketonurias; Phenylketonuria (PKU); OLIGOPHRENIA PHENYLPYRUVICA. Identifiers: Orphanet 716, MedGen C0031485, MONDO:0009861, OMIM 261600. Disease mechanism: loss of function.

Submission:

Labcorp Genetics (formerly Invitae), Labcorp
Classification: Pathogenic for Phenylketonuria. Last evaluated: 2022-11-03. Review status: criteria provided, single submitter. Criteria: Invitae Variant Classification Sherloc (09022015). Collection method: clinical testing. Allele origin: germline.
Comment: This variant is not present in population databases (gnomAD no frequency). For these reasons, this variant has been classified as Pathogenic. This variant disrupts the p.His290 amino acid residue in PAH. Other variant(s) that disrupt this residue have been determined to be pathogenic (PMID: 22526846, 26210745, 26666653; Invitae). This suggests that this residue is clinically significant, and that variants that disrupt this residue are likely to be disease-causing. Advanced modeling of protein sequence and biophysical properties (such as structural, functional, and spatial information, amino acid conservation, physicochemical variation, residue mobility, and thermodynamic stability) performed at Invitae indicates that this missense variant is expected to disrupt PAH protein function. This missense change has been observed in individual(s) with phenylalanine hydroxylase deficiency (PMID: 26210745). This sequence change replaces histidine, which is basic and polar, with glutamine, which is neutral and polar, at codon 290 of the PAH protein (p.His290Gln).

Literature cited by the submitters: PubMed 22526846; PubMed 26210745; PubMed 26666653.